The following is an entry in ClinVar:

ClinVar aggregate classification (germline): Uncertain significance (1 of 4 stars; one submission).

Conditions:
Leigh syndrome (NULS). Also called: Leigh's syndrome; Leigh's necrotizing encephalopathy; Leigh's disease; Leigh Syndrome (mtDNA deletion); Leigh Disease; Subacute necrotizing encephalopathy. Identifiers: Orphanet 506, MedGen C2931891, MONDO:0009723, OMIM 256000.

Submission:

Labcorp Genetics (formerly Invitae), Labcorp
Classification: Uncertain significance for Leigh syndrome. Last evaluated: 2022-07-20. Review status: criteria provided, single submitter. Criteria: Invitae Variant Classification Sherloc (09022015). Collection method: clinical testing. Allele origin: germline.
Comment: In summary, the available evidence is currently insufficient to determine the role of this variant in disease. Therefore, it has been classified as a Variant of Uncertain Significance. Algorithms developed to predict the effect of missense changes on protein structure and function are either unavailable or do not agree on the potential impact of this missense change (SIFT: "Deleterious"; PolyPhen-2: "Possibly Damaging"; Align-GVGD: "Class C0"). This variant has not been reported in the literature in individuals affected with SURF1-related conditions. This variant is not present in population databases (gnomAD no frequency). This sequence change replaces proline, which is neutral and non-polar, with threonine, which is neutral and polar, at codon 243 of the SURF1 protein (p.Pro243Thr).

NM_003172.4(SURF1):c.727C>A (p.Pro243Thr)

Gene: SURF1 (SURF1 cytochrome c oxidase assembly factor; minus strand). Cytogenetic location: 9q34.2.
Variant type: single nucleotide variant.
Coding change: c.727C>A on transcript NM_003172.4 (MANE Select); coding-DNA position 727, C replaced by A.
Protein change: p.Pro243Thr; replaces proline 243 with threonine.
Molecular consequence: missense variant.
Genome position (GRCh38, 1-based): chr9:133,352,470, G>T on the plus strand (C>A on the coding strand, the complement: SURF1 is on the minus strand). VCF-style: chr9-133352470-G-T. GRCh37 (hg19) VCF-style: chr9-136219325-G-T.
Other names: c.400C>A, p.Pro134Thr (NM_001280787.1); short protein forms P134T, P243T.
Identifiers: ClinVar variation 1720675 (VCV001720675.5), dbSNP rs963703194, ClinGen allele CA375693650.